The following is an entry in ClinVar:

NM_000181.4(GUSB):c.913-4A>G

Gene: GUSB (glucuronidase beta; minus strand). Cytogenetic location: 7q11.21.
Variant type: single nucleotide variant.
Coding change: c.913-4A>G on transcript NM_000181.4 (MANE Select); 4 bases into the intron before coding-DNA position 913, A replaced by G.
Molecular consequence: intron variant.
Genome position (GRCh38, 1-based): chr7:65,975,075, T>C on the plus strand (A>G on the coding strand, the complement: GUSB is on the minus strand). VCF-style: chr7-65975075-T-C. GRCh37 (hg19) VCF-style: chr7-65440062-T-C.
Other names: c.256-4A>G (NM_001293105.2); c.343-4A>G (NM_001293104.2); c.475-4A>G (NM_001284290.2).
Identifiers: ClinVar variation 3042467 (VCV003042467.2), dbSNP rs1791479021, ClinGen allele CA2740097365.

ClinVar aggregate classification (germline): Likely benign (0 of 4 stars; one submission).

Conditions:
GUSB-related disorder. Also called: GUSB-related condition.

Submission:

PreventionGenetics, part of Exact Sciences
Classification: Likely benign for GUSB-related condition. Last evaluated: 2020-08-25. Review status: no assertion criteria provided. Collection method: clinical testing. Allele origin: germline.
Comment: This variant is classified as likely benign based on ACMG/AMP sequence variant interpretation guidelines (Richards et al. 2015 PMID: 25741868, with internal and published modifications).